The following is an entry in ClinVar:

NM_004100.5(EYA4):c.866C>T (p.Thr289Met)

Gene: EYA4 (EYA transcriptional coactivator and phosphatase 4; plus strand). Cytogenetic location: 6q23.2.
Variant type: single nucleotide variant.
Coding change: c.866C>T on transcript NM_004100.5 (MANE Select); coding-DNA position 866, C replaced by T.
Protein change: p.Thr289Met; replaces threonine 289 with methionine.
Molecular consequence: missense variant.
Genome position (GRCh38, 1-based): chr6:133,468,627, C>T. VCF-style: chr6-133468627-C-T. GRCh37 (hg19) VCF-style: chr6-133789765-C-T.
Other names: c.704C>T, p.Thr235Met (NM_001301012.2, NM_001370459.1); c.866C>T, p.Thr289Met (NM_001301013.2, NM_172105.4); c.797C>T, p.Thr266Met (NM_001370458.1, NM_172103.4); short protein forms T289M, T266M, T235M.
Identifiers: ClinVar variation 163446 (VCV000163446.73), dbSNP rs41286200, ClinGen allele CA176093.
Genomic context (GRCh38, chr6:133,468,627, plus strand): 5'-ATTATCCATCCTATACAGCCTTTGGCCAAAACCAGTATGCACAGTATTATTCAGCATCAA[C>T]GTATGGAGCGTATATGACATCGAATAACACAGCCGATGGCACACCCTCTTCAACCTCTAC-3'
Protein context (NP_004091.3, residues 279-299): NQYAQYYSAS[Thr289Met]YGAYMTSNNT

ClinVar aggregate classification (germline): Conflicting classifications of pathogenicity. Review status: criteria provided, conflicting classifications (1 of 4 stars). 13 submissions from 12 submitters: Likely pathogenic (1); Uncertain significance (3); Benign (2); Likely benign (6). 1 of the submissions does not count toward it. Last evaluated 2026-06-23.

Conditions:
EYA4-related disorder. Also called: EYA4-related condition; EYA4-related disorders. Identifiers: MedGen CN239388.
Cardiovascular phenotype. Identifiers: MedGen CN230736.
Autosomal dominant nonsyndromic hearing loss 10. Identifiers: Orphanet 90635, MedGen C1832476, MONDO:0011031, OMIM 601316.
Dilated cardiomyopathy 1J (CMD1J). Also called: CARDIOMYOPATHY, DILATED, WITH SENSORINEURAL HEARING LOSS, AUTOSOMAL DOMINANT. Identifiers: Orphanet 217622, MedGen C1854368, MONDO:0011541, OMIM 605362.

Allele frequency attached by ClinVar (database versions not stated): 1000 Genomes Project 0.00040; ESP Exome Variant Server 0.00062; ExAC 0.00063; gnomAD exomes 0.00064 and 0.00089; gnomAD 0.00067; TOPMed 0.00077; 1000 Genomes Project 30x 0.00078.
gnomAD v4.1: 1,381 of 1,612,548 alleles (0.086%); highest among the groups gnomAD compares: Non-Finnish European, 0.11%; 3 homozygotes.

Submissions (13):

Women's Health and Genetics/Laboratory Corporation of America, LabCorp
Classification: Likely benign. Last evaluated: 2026-06-23. Review status: criteria provided, single submitter. Criteria: LabCorp Variant Classification Summary - May 2015. Collection method: clinical testing. Allele origin: germline.
Comment: Variant summary: EYA4 c.866C>T (p.Thr289Met) results in a non-conservative amino acid change in the encoded protein sequence. Algorithms developed to predict the effect of missense changes on protein structure and function are either unavailable or do not agree on the potential impact of this missense change. The variant allele was found at a frequency of 0.00064 in 250734 control chromosomes, predominantly at a frequency of 0.0011 within the Non-Finnish European subpopulation in the gnomAD database, including 1 homozygote. The observed variant frequency within Non-Finnish European control individuals in the gnomAD database exceeds the estimated maximal expected allele frequency for disease-causing variants in EYA4. To our knowledge, no experimental evidence demonstrating its impact on protein function has been reported. ClinVar contains an entry for this variant (Variation ID: 163446). Based on the evidence outlined above, the variant was classified as likely benign.

Labcorp Genetics (formerly Invitae), Labcorp
Classification: Likely benign for Dilated cardiomyopathy 1J. Last evaluated: 2026-02-01. Review status: criteria provided, single submitter. Criteria: Invitae Variant Classification Sherloc (09022015). Collection method: clinical testing. Allele origin: germline.

Blueprint Genetics
Classification: Likely benign. Last evaluated: 2024-10-23. Review status: criteria provided, single submitter. Criteria: ACMG Guidelines, 2015. Collection method: clinical testing. Allele origin: germline.

Laboratory of Prof. Karen Avraham, Tel Aviv University
Classification: Likely pathogenic for Autosomal dominant nonsyndromic hearing loss 10. Last evaluated: 2024-05-08. Review status: criteria provided, single submitter. Criteria: ACMG Guidelines, 2015. Collection method: research. Allele origin: germline. Affected: yes. Observed: 1 variant allele.
Comment: Likely pathogenic by Deafness Variation Database

DFNA10; high tone HL, normal-profound

CeGaT Center for Human Genetics Tuebingen
Classification: Benign. Last evaluated: 2023-04-01. Review status: criteria provided, single submitter. Criteria: CeGaT Center For Human Genetics Tuebingen Variant Classification Criteria Version 2. Collection method: clinical testing. Allele origin: germline. Affected: yes. Observed: 2 variant alleles.
Comment: EYA4: BS1, BS2

GeneDx
Classification: Likely benign. Last evaluated: 2020-12-22. Review status: criteria provided, single submitter. Criteria: GeneDx Variant Classification Process June 2021. Collection method: clinical testing. Allele origin: germline. Affected: yes.
Comment: This variant is associated with the following publications: (PMID: 23861362, 28798025)

Laboratory for Molecular Medicine, Mass General Brigham Personalized Medicine
Classification: Benign. Last evaluated: 2019-02-14. Review status: criteria provided, single submitter. Criteria: LMM Criteria. Collection method: clinical testing. Allele origin: germline. Observed: 4 variant alleles.
Comment: The p.Thr289Met variant in EYA4 is classified as benign because it has been identified in 0.1% of European chromosomes by gnomAD. ACMG/AMP Criteria applied: BA1.

Ambry Genetics
Classification: Likely benign for Cardiovascular phenotype. Last evaluated: 2018-05-31. Review status: criteria provided, single submitter. Criteria: Ambry Variant Classification Scheme 2023. Collection method: clinical testing. Allele origin: germline.

Illumina Laboratory Services, Illumina
Classification: Likely benign for Autosomal dominant nonsyndromic hearing loss 10. Last evaluated: 2018-01-13. Review status: criteria provided, single submitter. Criteria: ICSL Variant Classification Criteria 13 December 2019. Collection method: clinical testing. Allele origin: germline.
Comment: This variant was observed in the ICSL laboratory as part of a predisposition screen in an ostensibly healthy population. It had not been previously curated by ICSL or reported in the Human Gene Mutation Database (HGMD: prior to June 1st, 2018), and was therefore a candidate for classification through an automated scoring system. Utilizing variant allele frequency, disease prevalence and penetrance estimates, and inheritance mode, an automated score was calculated to assess if this variant is too frequent to cause the disease. Based on the score and internal cut-off values, a variant classified as likely benign is not then subjected to further curation. The score for this variant resulted in a classification of likely benign for this disease.

Illumina Laboratory Services, Illumina
Classification: Uncertain significance for Dilated cardiomyopathy 1J. Last evaluated: 2018-01-13. Review status: criteria provided, single submitter. Criteria: ICSL Variant Classification Criteria 13 December 2019. Collection method: clinical testing. Allele origin: germline.

Eurofins Ntd Llc (ga)
Classification: Uncertain significance. Last evaluated: 2015-09-02. Review status: criteria provided, single submitter. Criteria: EGL Classification Definitions 2015. Collection method: clinical testing. Allele origin: germline. Observed: 1 variant allele, 1 heterozygote.

Biesecker Lab/Clinical Genomics Section, National Institutes of Health
Classification: Uncertain significance. Last evaluated: 2013-06-24. Review status: criteria provided, single submitter. Criteria: Ng et al. (Circ Cardiovasc Genet. 2013). Collection method: research. Allele origin: unknown. Observed: 1 variant allele. Study: ClinSeq.
Comment: The study set was not selected for affection status in relation to any cancer. Pathogenicity categories were based on literature curation. See Pubmed ID:23861362 for details.

Medical sequencing

PreventionGenetics, part of Exact Sciences
Classification: Likely benign for EYA4-related condition. Last evaluated: 2022-09-21. Review status: no assertion criteria provided. Collection method: clinical testing. Allele origin: germline. Not counted in ClinVar's aggregate classification.
Comment: This variant is classified as likely benign based on ACMG/AMP sequence variant interpretation guidelines (Richards et al. 2015 PMID: 25741868, with internal and published modifications).

Literature cited by the submitters: PubMed 23861362 (cited by Laboratory for Molecular Medicine, Mass General Brigham Personalized Medicine and Ambry Genetics); PubMed 28798025 (cited by Laboratory for Molecular Medicine, Mass General Brigham Personalized Medicine and Ambry Genetics).